The following is an entry in ClinVar:

ClinVar aggregate classification (germline): Uncertain significance (1 of 4 stars; one submission).

Conditions:
LRP1B-related disorder. Also called: LRP1B-related condition.

Allele frequency attached by ClinVar (database versions not stated): TOPMed below 0.00001.

Submission:

PreventionGenetics, part of Exact Sciences
Classification: Uncertain significance for LRP1B-related condition. Last evaluated: 2023-05-08. Review status: criteria provided, single submitter. Criteria: ACMG Guidelines, 2015. Collection method: clinical testing. Allele origin: germline.
Comment: The LRP1B c.7887C>G variant is predicted to result in the amino acid substitution p.Asp2629Glu. To our knowledge, this variant has not been reported in the literature or in a large population database, indicating this variant is rare. At this time, the clinical significance of this variant is uncertain due to the absence of conclusive functional and genetic evidence.

NM_018557.3(LRP1B):c.7887C>G (p.Asp2629Glu)

Gene: LRP1B (LDL receptor related protein 1B; minus strand). Cytogenetic location: 2q22.1.
Variant type: single nucleotide variant.
Coding change: c.7887C>G on transcript NM_018557.3 (MANE Select); coding-DNA position 7887, C replaced by G.
Protein change: p.Asp2629Glu; replaces aspartic acid 2629 with glutamic acid.
Molecular consequence: missense variant.
Genome position (GRCh38, 1-based): chr2:140,525,983, G>C on the plus strand (C>G on the coding strand, the complement: LRP1B is on the minus strand). VCF-style: chr2-140525983-G-C. GRCh37 (hg19) VCF-style: chr2-141283552-G-C.
Other names: short protein forms D2629E.
Identifiers: ClinVar variation 2633105 (VCV002633105.1), dbSNP rs1025450970, ClinGen allele CA56683423.